The following is an entry in ClinVar:

NM_000536.4(RAG2):c.719T>C (p.Leu240Pro)

Gene: RAG2 (recombination activating 2; minus strand). Cytogenetic location: 11p12.
Variant type: single nucleotide variant.
Coding change: c.719T>C on transcript NM_000536.4 (MANE Select); coding-DNA position 719, T replaced by C.
Protein change: p.Leu240Pro; replaces leucine 240 with proline.
Molecular consequence: missense variant.
Genome position (GRCh38, 1-based): chr11:36,593,450, A>G on the plus strand (T>C on the coding strand, the complement: RAG2 is on the minus strand). VCF-style: chr11-36593450-A-G. GRCh37 (hg19) VCF-style: chr11-36615000-A-G.
Other names: c.719T>C, p.Leu240Pro (NM_001243785.2, NM_001243786.2); short protein forms L240P.
Identifiers: ClinVar variation 959642 (VCV000959642.7), dbSNP rs1851078112, ClinGen allele CA380142252.

ClinVar aggregate classification (germline): Uncertain significance (1 of 4 stars; one submission).

Conditions:
Severe combined immunodeficiency, autosomal recessive, T cell-negative, B cell-negative, NK cell-positive. Also called: SCID, AR, T-cell negative, B-cell negative, NK cell-positive; SCID, T CELL-NEGATIVE, B CELL-NEGATIVE, NK CELL-POSITIVE; Severe combined immunodeficiency due to complete RAG1/2 deficiency. Identifiers: Orphanet 331206, MedGen C1832322, MONDO:0011086, OMIM 601457.
Combined immunodeficiency with skin granulomas. Identifiers: Orphanet 157949, MedGen C2673536, MONDO:0009306, OMIM 233650.

Allele frequency attached by ClinVar (database versions not stated): gnomAD exomes below 0.00001.

Submission:

Labcorp Genetics (formerly Invitae), Labcorp
Classification: Uncertain significance for Combined immunodeficiency with skin granulomas; Severe combined immunodeficiency, autosomal recessive, T cell-negative, B cell-negative, NK cell-positive. Last evaluated: 2021-08-30. Review status: criteria provided, single submitter. Criteria: Invitae Variant Classification Sherloc (09022015). Collection method: clinical testing. Allele origin: germline.
Comment: This sequence change replaces leucine with proline at codon 240 of the RAG2 protein (p.Leu240Pro). The leucine residue is highly conserved and there is a moderate physicochemical difference between leucine and proline. This variant is not present in population databases (ExAC no frequency). This variant has not been reported in the literature in individuals affected with RAG2-related conditions. Algorithms developed to predict the effect of missense changes on protein structure and function are either unavailable or do not agree on the potential impact of this missense change (SIFT: "Deleterious"; PolyPhen-2: "Probably Damaging"; Align-GVGD: "Class C0"). In summary, the available evidence is currently insufficient to determine the role of this variant in disease. Therefore, it has been classified as a Variant of Uncertain Significance.